The following is an entry in ClinVar:

ClinVar aggregate classification (germline): Likely pathogenic (1 of 4 stars; one submission).

Conditions:
Immunodeficiency 51 (IMD51). Also called: CANDIDIASIS, FAMILIAL, 5. Identifiers: Orphanet 1334, MedGen C4310803, MONDO:0013500, OMIM 613953.

Submission:

Neuberg Centre For Genomic Medicine, NCGM
Classification: Likely pathogenic for Immunodeficiency 51. Last evaluated: 2023-02-14. Review status: criteria provided, single submitter. Criteria: ACMG Guidelines, 2015. Collection method: clinical testing. Allele origin: germline. Inheritance: Autosomal recessive inheritance. Affected: yes.
Comment: The frameshift variant c.805_808del (p.Thr269TyrfsTer74) in the IL17RA gene has not been reported previously as a pathogenic variant nor as a benign variant, to our knowledge. The variant is novel (not in any individuals) in gnomAD Exomes and 1000 Genomes. This variant causes a frameshift starting with codon Threonine 269, changes this amino acid to Tyrosine residue, and creates a premature Stop codon at position 74 of the new reading frame. This variant is predicted to cause a loss of normal protein function through protein truncation. Loss of function variants has been previously reported to be disease causing (Levy et al., 2016). For these reasons, this variant has been classified as Likely Pathogenic.

NM_014339.7(IL17RA):c.805_808del (p.Thr269fs)

Gene: IL17RA (interleukin 17 receptor A; plus strand). Cytogenetic location: 22q11.1.
Variant type: Microsatellite.
Coding change: c.805_808del on transcript NM_014339.7 (MANE Select); coding-DNA positions 805 to 808, 4 bases deleted (ACTC; older notation c.805_808delACTC).
Protein change: p.Thr269fs; shifts the reading frame from threonine 269.
Molecular consequence: frameshift variant.
Genome position (GRCh38, 1-based): chr22:17,103,536-17,103,539, ACTC deleted; deleting any 4 consecutive bases within chr22:17,103,531-17,103,539 gives the same sequence; the c. name uses the placement nearest the transcript's 3' end. VCF-style (leftmost placement, unchanged base first): chr22-17103530-ACACT-A. GRCh37 (hg19) VCF-style: chr22-17584420-ACACT-A.
Other names: c.805_808del, p.Thr269fs (NM_001289905.2); short protein forms T269fs.
Identifiers: ClinVar variation 2671780 (VCV002671780.1), dbSNP rs2517166028, ClinGen allele CA2695200054.
Genomic context (GRCh38, chr22:17,103,530, plus strand): 5'-ACCCATCCTCGCCTCTCTCCTCAGCCCAGACCAGAAGAGTTCCACCAGCGATCCAACGTC[ACACT>A]CACTCTACGCAACCTTAAAGGGTGCTGTCGCCACCAAGTGCAGGTGGGTGAGTGTGGTGT-3'